The following is an entry in ClinVar:

NM_001145809.2(MYH14):c.1621G>A (p.Asp541Asn)

Gene: MYH14 (myosin heavy chain 14; plus strand). Cytogenetic location: 19q13.33.
Variant type: single nucleotide variant.
Coding change: c.1621G>A on transcript NM_001145809.2 (MANE Select); coding-DNA position 1621, G replaced by A.
Protein change: p.Asp541Asn; replaces aspartic acid 541 with asparagine.
Molecular consequence: missense variant.
Genome position (GRCh38, 1-based): chr19:50,249,788, G>A. VCF-style: chr19-50249788-G-A. GRCh37 (hg19) VCF-style: chr19-50753045-G-A.
Other names: c.1621G>A, p.Asp541Asn (NM_001077186.2); c.1597G>A, p.Asp533Asn (NM_024729.4); short protein forms D533N, D541N.
Identifiers: ClinVar variation 2406701 (VCV002406701.7), dbSNP rs942541070, ClinGen allele CA309596355.

ClinVar aggregate classification (germline): Uncertain significance. Review status: criteria provided, multiple submitters, no conflicts (2 of 4 stars). 3 submissions from 3 submitters: Uncertain significance (3). Last evaluated 2025-09-23.

Conditions:
Inborn genetic diseases. Identifiers: MedGen C0950123, MeSH D030342.

Allele frequency attached by ClinVar (database versions not stated): gnomAD 0.00002; TOPMed 0.00005.
gnomAD v4.1: 22 of 1,614,052 alleles (0.0014%); highest among the groups gnomAD compares: African/African-American, 0.004%; no homozygotes.

Submissions (3):

GeneDx
Classification: Uncertain significance. Last evaluated: 2025-09-23. Review status: criteria provided, single submitter. Criteria: GeneDx Variant Classification Process June 2021. Collection method: clinical testing. Allele origin: germline.
Comment: In silico analysis supports that this missense variant has a deleterious effect on protein structure/function; Has not been previously published as pathogenic or benign to our knowledge

Ambry Genetics
Classification: Uncertain significance for Inborn genetic diseases. Last evaluated: 2025-08-26. Review status: criteria provided, single submitter. Criteria: Ambry Variant Classification Scheme 2023. Collection method: clinical testing. Allele origin: germline.

Labcorp Genetics (formerly Invitae), Labcorp
Classification: Uncertain significance. Last evaluated: 2024-08-22. Review status: criteria provided, single submitter. Criteria: Invitae Variant Classification Sherloc (09022015). Collection method: clinical testing. Allele origin: germline.
Comment: This sequence change replaces aspartic acid, which is acidic and polar, with asparagine, which is neutral and polar, at codon 533 of the MYH14 protein (p.Asp533Asn). This variant is present in population databases (no rsID available, gnomAD 0.003%). This variant has not been reported in the literature in individuals affected with MYH14-related conditions. ClinVar contains an entry for this variant (Variation ID: 2406701). Invitae Evidence Modeling of protein sequence and biophysical properties (such as structural, functional, and spatial information, amino acid conservation, physicochemical variation, residue mobility, and thermodynamic stability) indicates that this missense variant is expected to disrupt MYH14 protein function with a positive predictive value of 80%. In summary, the available evidence is currently insufficient to determine the role of this variant in disease. Therefore, it has been classified as a Variant of Uncertain Significance.